The following is an entry in ClinVar:

NM_001128228.3(TPRN):c.1830_1850del (p.Glu615_Glu621del)

Gene: TPRN (taperin; minus strand). Cytogenetic location: 9q34.3.
Variant type: Deletion.
Coding change: c.1830_1850del on transcript NM_001128228.3 (MANE Select); coding-DNA positions 1830 to 1850, 21 bases deleted (GGAGGAGGAGGAGGAAGAGGA).
Protein change: p.Glu615_Glu621del.
Genome position (GRCh38, 1-based): chr9:137,192,567-137,192,587, TCCTCTTCCTCCTCCTCCTCC deleted on the plus strand (GGAGGAGGAGGAGGAAGAGGA on the coding strand, the reverse complement: TPRN is on the minus strand); deleting any 21 consecutive bases within chr9:137,192,567-137,192,592 gives the same sequence; the c. name uses the placement nearest the transcript's 3' end. VCF-style (leftmost placement, unchanged base first): chr9-137192566-TTCCTCTTCCTCCTCCTCCTCC-T. GRCh37 (hg19) VCF-style: chr9-140087018-TTCCTCTTCCTCCTCCTCCTCC-T.
Identifiers: ClinVar variation 3906491 (VCV003906491.1).
Genomic context (GRCh38, chr9:137,192,566, plus strand): 5'-GGCCCGGGGCAGGAAGAGTGCAAAGGGCTTCTCCTCTGAGCCGGATCCCTCTTCCTCCTC[TTCCTCTTCCTCCTCCTCCTCC>T]TCCTCCTCCTCCTGCTGGTCCACCTCTTCCTCCTGCTCTAGGGAGCTCTCGGAAGGGTAC-3'

ClinVar aggregate classification (germline): Uncertain significance (1 of 4 stars; one submission).

Submission:

GeneDx
Classification: Uncertain significance. Last evaluated: 2024-12-18. Review status: criteria provided, single submitter. Criteria: GeneDx Variant Classification Process June 2021. Collection method: clinical testing. Allele origin: germline. Affected: yes.
Comment: In-frame deletion of 7 amino acids in a repetitive region with no known function; Not observed at significant frequency in large population cohorts (gnomAD); In silico analysis supports a deleterious effect on protein structure/function; Has not been previously published as pathogenic or benign to our knowledge